The following is an entry in ClinVar:

NM_004656.4(BAP1):c.763G>A (p.Val255Ile)

Gene: BAP1 (BRCA1 associated deubiquitinase 1; minus strand). Cytogenetic location: 3p21.1.
Variant type: single nucleotide variant.
Coding change: c.763G>A on transcript NM_004656.4 (MANE Select); coding-DNA position 763, G replaced by A.
Protein change: p.Val255Ile; replaces valine 255 with isoleucine.
Molecular consequence: missense variant.
Genome position (GRCh38, 1-based): chr3:52,406,273, C>T on the plus strand (G>A on the coding strand, the complement: BAP1 is on the minus strand). VCF-style: chr3-52406273-C-T. GRCh37 (hg19) VCF-style: chr3-52440289-C-T.
Other names: c.763G>A (NM_004656.2); short protein forms V255I.
Identifiers: ClinVar variation 848838 (VCV000848838.8), dbSNP rs1705154672, ClinGen allele CA353107084.

ClinVar aggregate classification (germline): Uncertain significance. Review status: criteria provided, multiple submitters, no conflicts (2 of 4 stars). 2 submissions from 2 submitters: Uncertain significance (2). Last evaluated 2026-06-20.

Conditions:
Hereditary cancer-predisposing syndrome. Also called: Tumor predisposition; Hereditary neoplastic syndrome; Neoplastic Syndromes, Hereditary; Hereditary Cancer Syndrome. Identifiers: Orphanet 140162, MedGen C0027672, MeSH D009386, MONDO:0015356.
BAP1-related tumor predisposition syndrome (TPDS1). Also called: Tumor susceptibility linked to germline BAP1 mutations; COMMON Syndrome; TUMOR PREDISPOSITION SYNDROME 1; BAP1 tumor predisposition syndrome. Identifiers: Orphanet 289539, MedGen C3280492, MONDO:0013692, OMIM 614327.

Allele frequency attached by ClinVar (database versions not stated): gnomAD exomes below 0.00001.

Submissions (2):

Ambry Genetics
Classification: Uncertain significance for Hereditary cancer-predisposing syndrome. Last evaluated: 2026-06-20. Review status: criteria provided, single submitter. Criteria: Ambry Variant Classification Scheme 2023. Collection method: clinical testing. Allele origin: germline.
Comment: The p.V255I variant (also known as c.763G>A), located in coding exon 9 of the BAP1 gene, results from a G to A substitution at nucleotide position 763. The valine at codon 255 is replaced by isoleucine, an amino acid with highly similar properties. This amino acid position is conserved. In addition, this alteration is predicted to be tolerated by in silico analysis. Based on the available evidence, the clinical significance of this variant remains unclear.

Labcorp Genetics (formerly Invitae), Labcorp
Classification: Uncertain significance for BAP1-related tumor predisposition syndrome. Last evaluated: 2024-08-06. Review status: criteria provided, single submitter. Criteria: Invitae Variant Classification Sherloc (09022015). Collection method: clinical testing. Allele origin: germline.
Comment: This sequence change replaces valine, which is neutral and non-polar, with isoleucine, which is neutral and non-polar, at codon 255 of the BAP1 protein (p.Val255Ile). This variant is not present in population databases (gnomAD no frequency). This variant has not been reported in the literature in individuals affected with BAP1-related conditions. ClinVar contains an entry for this variant (Variation ID: 848838). Advanced modeling of protein sequence and biophysical properties (such as structural, functional, and spatial information, amino acid conservation, physicochemical variation, residue mobility, and thermodynamic stability) performed at Invitae indicates that this missense variant is not expected to disrupt BAP1 protein function with a negative predictive value of 80%. In summary, the available evidence is currently insufficient to determine the role of this variant in disease. Therefore, it has been classified as a Variant of Uncertain Significance.